The following is an entry in ClinVar:

NM_005902.4(SMAD3):c.293A>G (p.His98Arg)

Gene: SMAD3 (SMAD family member 3; plus strand). Cytogenetic location: 15q22.33.
Variant type: single nucleotide variant.
Coding change: c.293A>G on transcript NM_005902.4 (MANE Select); coding-DNA position 293, A replaced by G.
Protein change: p.His98Arg; replaces histidine 98 with arginine.
Molecular consequence: missense variant. On other transcripts: 5 prime UTR variant (3).
Genome position (GRCh38, 1-based): chr15:67,164,981, A>G. VCF-style: chr15-67164981-A-G. GRCh37 (hg19) VCF-style: chr15-67457319-A-G.
Other names: c.-23A>G (NM_001145102.2, NM_001407015.1, NM_001407016.1); c.161A>G, p.His54Arg (NM_001145103.2); c.293A>G, p.His98Arg (NM_001407011.1, NM_001407012.1, NM_001407013.1); c.146A>G, p.His49Arg (NM_001407014.1); short protein forms H54R, H98R, H49R.
Identifiers: ClinVar variation 3798799 (VCV003798799.1).
Genomic context (GRCh38, chr15:67,164,981, plus strand): 5'-CCCATCGGAAGGGGCTCCCTCATGTCATCTACTGCCGCCTGTGGCGATGGCCAGACCTGC[A>G]CAGCCACCACGAGCTACGGGCCATGGAGCTGTGTGAGTTCGCCTTCAATATGAAGAAGGA-3'
Protein context (NP_005893.1, residues 88-108): YCRLWRWPDL[His98Arg]SHHELRAMEL

ClinVar aggregate classification (germline): Uncertain significance (1 of 4 stars; one submission).

Conditions:
Familial thoracic aortic aneurysm and aortic dissection (TAAD). Also called: Thoracic aortic aneurysms and dissections. Identifiers: Orphanet 91387, MedGen C4707243, MONDO:0019625.

gnomAD v4.1: 1 of 1,614,058 alleles (0.000062%); highest among the groups gnomAD compares: Non-Finnish European, 0.000085%; no homozygotes.

Submission:

Ambry Genetics
Classification: Uncertain significance for Familial thoracic aortic aneurysm and aortic dissection. Last evaluated: 2025-03-09. Review status: criteria provided, single submitter. Criteria: Ambry Variant Classification Scheme 2023. Collection method: clinical testing. Allele origin: germline.
Comment: The p.H98R variant (also known as c.293A>G), located in coding exon 2 of the SMAD3 gene, results from an A to G substitution at nucleotide position 293. The histidine at codon 98 is replaced by arginine, an amino acid with highly similar properties. This amino acid position is conserved. In addition, this alteration is predicted to be tolerated by in silico analysis. Based on the available evidence, the clinical significance of this variant remains unclear.